The following is an entry in ClinVar:

NM_000051.4(ATM):c.5883T>C (p.Tyr1961=)

Genes: ATM (ATM serine/threonine kinase; plus strand), C11orf65 (chromosome 11 open reading frame 65; minus strand). Cytogenetic location: 11q22.3.
Variant type: single nucleotide variant.
Coding change: c.5883T>C on transcript NM_000051.4 (MANE Select); coding-DNA position 5883, T replaced by C.
Protein change: p.Tyr1961=; no amino-acid change (tyrosine 1961 retained).
Molecular consequence: synonymous variant. On other transcripts: intron variant (2).
Genome position (GRCh38, 1-based): chr11:108,310,280, T>C. VCF-style: chr11-108310280-T-C. GRCh37 (hg19) VCF-style: chr11-108181007-T-C.
Other names: c.5883T>C, p.Tyr1961= (NM_001351834.2); c.641-1209A>G (NM_001330368.2); c.*39-1209A>G (NM_001351110.2).
Identifiers: ClinVar variation 3253830 (VCV003253830.1), dbSNP rs2136017746.

ClinVar aggregate classification (germline): Benign (1 of 4 stars; one submission).

Conditions:
Familial cancer of breast. Also called: hereditary breast carcinoma; BREAST CANCER, FAMILIAL; Hereditary breast cancer. Identifiers: Orphanet 227535, MedGen C0346153, MONDO:0016419, OMIM 114480. Disease mechanism: loss of function.

Submission:

Myriad Genetics, Inc.
Classification: Benign for Familial cancer of breast. Last evaluated: 2024-05-24. Review status: criteria provided, single submitter. Criteria: Myriad Autosomal Dominant, Autosomal Recessive and X-Linked Classification Criteria (2023). Collection method: clinical testing. Allele origin: unknown.
Comment: This variant is considered benign. This variant is a silent/synonymous amino acid change and it is not expected to impact splicing.